The following is an entry in ClinVar:

NM_020923.3(ZDBF2):c.6944G>A (p.Arg2315Gln)

Gene: ZDBF2 (zinc finger DBF-type containing 2; plus strand). Cytogenetic location: 2q33.3.
Variant type: single nucleotide variant.
Coding change: c.6944G>A on transcript NM_020923.3 (MANE Select); coding-DNA position 6944, G replaced by A.
Protein change: p.Arg2315Gln; replaces arginine 2315 with glutamine.
Molecular consequence: missense variant.
Genome position (GRCh38, 1-based): chr2:206,311,472, G>A. VCF-style: chr2-206311472-G-A. GRCh37 (hg19) VCF-style: chr2-207176196-G-A.
Other names: c.6938G>A, p.Arg2313Gln (NM_001285549.2); c.6944G>A, p.Arg2315Gln (NM_001369654.1); c.6944G>A (NM_020923.1); short protein forms R2313Q, R2315Q.
Identifiers: ClinVar variation 3771048 (VCV003771048.13).

ClinVar aggregate classification (germline): Conflicting classifications of pathogenicity. Review status: criteria provided, conflicting classifications (1 of 4 stars). 2 submissions from 2 submitters: Uncertain significance (1); Likely benign (1). Last evaluated 2025-04-03.

gnomAD v4.1: 161 of 1,612,110 alleles (0.01%); highest among the groups gnomAD compares: South Asian, 0.071%; 1 homozygote.

Submissions (2):

Ambry Genetics
Classification: Uncertain significance. Last evaluated: 2025-04-03. Review status: criteria provided, single submitter. Criteria: Ambry Variant Classification Scheme 2023. Collection method: clinical testing. Allele origin: germline.

CeGaT Center for Human Genetics Tuebingen
Classification: Likely benign. Last evaluated: 2025-01-01. Review status: criteria provided, single submitter. Criteria: CeGaT Center For Human Genetics Tuebingen Variant Classification Criteria Version 2. Collection method: clinical testing. Allele origin: germline. Affected: yes. Observed: 1 variant allele.
Comment: ZDBF2: BP4